The following is an entry in ClinVar:

ClinVar aggregate classification (germline): Likely pathogenic (1 of 4 stars; one submission).

Submission:

Labcorp Genetics (formerly Invitae), Labcorp
Classification: Likely pathogenic. Last evaluated: 2025-02-25. Review status: criteria provided, single submitter. Criteria: Invitae Variant Classification Sherloc (09022015). Collection method: clinical testing. Allele origin: germline.
Comment: This sequence change affects a donor splice site in intron 9 of the VDR gene. It is expected to disrupt RNA splicing. Variants that disrupt the donor or acceptor splice site typically lead to a loss of protein function (PMID: 16199547), and loss-of-function variants in VDR are known to be pathogenic (PMID: 10204116, 24246681). This variant is not present in population databases (gnomAD no frequency). This variant has not been reported in the literature in individuals affected with VDR-related conditions. ClinVar contains an entry for this variant (Variation ID: 2866435). Algorithms developed to predict the effect of sequence changes on RNA splicing suggest that this variant may disrupt the consensus splice site. In summary, the currently available evidence indicates that the variant is pathogenic, but additional data are needed to prove that conclusively. Therefore, this variant has been classified as Likely Pathogenic.

Literature cited by the submitters: PubMed 16199547; PubMed 10204116; PubMed 24246681.

NM_000376.3(VDR):c.907+1G>C

Gene: VDR (vitamin D receptor; minus strand). Cytogenetic location: 12q13.11.
Variant type: single nucleotide variant.
Coding change: c.907+1G>C on transcript NM_000376.3 (MANE Select); the canonical splice donor site of the intron after coding-DNA position 907, G replaced by C.
Molecular consequence: splice donor variant.
Genome position (GRCh38, 1-based): chr12:47,846,656, C>G on the plus strand (G>C on the coding strand, the complement: VDR is on the minus strand). VCF-style: chr12-47846656-C-G. GRCh37 (hg19) VCF-style: chr12-48240439-C-G.
Other names: c.907+1G>C (NM_001374662.1, NM_001364085.2, NM_001017535.2 and 1 more transcripts); c.1057+1G>C (NM_001017536.2).
Identifiers: ClinVar variation 2866435 (VCV002866435.3), dbSNP rs2539969091, ClinGen allele CA384516054.